The following is an entry in ClinVar:

ClinVar aggregate classification (germline): Uncertain significance (0 of 4 stars; one submission).

Conditions:
FGD1-related disorder. Also called: FGD1-related condition; FGD1-related disorders.

Submission:

PreventionGenetics, part of Exact Sciences
Classification: Uncertain significance for FGD1-related condition. Last evaluated: 2024-09-12. Review status: no assertion criteria provided. Collection method: clinical testing. Allele origin: germline.
Comment: The FGD1 c.2299T>C variant is predicted to result in the amino acid substitution p.Phe767Leu. To our knowledge, this variant has not been reported in the literature or in a large population database, indicating this variant is rare. At this time, the clinical significance of this variant is uncertain due to the absence of conclusive functional and genetic evidence.

NM_004463.3(FGD1):c.2299T>C (p.Phe767Leu)

Gene: FGD1 (FYVE, RhoGEF and PH domain containing 1; minus strand). Cytogenetic location: Xp11.22.
Variant type: single nucleotide variant.
Coding change: c.2299T>C on transcript NM_004463.3 (MANE Select); coding-DNA position 2299, T replaced by C.
Protein change: p.Phe767Leu; replaces phenylalanine 767 with leucine.
Molecular consequence: missense variant.
Genome position (GRCh38, 1-based): chrX:54,448,943, A>G on the plus strand (T>C on the coding strand, the complement: FGD1 is on the minus strand). VCF-style: chrX-54448943-A-G. GRCh37 (hg19) VCF-style: chrX-54475376-A-G.
Other names: short protein forms F767L.
Identifiers: ClinVar variation 3347161 (VCV003347161.1).